The following is an entry in ClinVar:

ClinVar aggregate classification (germline): Pathogenic (1 of 4 stars; one submission).

Submission:

Labcorp Genetics (formerly Invitae), Labcorp
Classification: Pathogenic. Last evaluated: 2022-02-08. Review status: criteria provided, single submitter. Criteria: Invitae Variant Classification Sherloc (09022015). Collection method: clinical testing. Allele origin: germline.
Comment: This sequence change creates a premature translational stop signal (p.Leu493Argfs*78) in the SLC34A3 gene. While this is not anticipated to result in nonsense mediated decay, it is expected to disrupt the last 107 amino acid(s) of the SLC34A3 protein. This variant is not present in population databases (gnomAD no frequency). This variant has not been reported in the literature in individuals affected with SLC34A3-related conditions. This variant disrupts a region of the SLC34A3 protein in which other variant(s) (p.Trp541*) have been determined to be pathogenic (PMID: 31440709; Invitae). This suggests that this is a clinically significant region of the protein, and that variants that disrupt it are likely to be disease-causing. For these reasons, this variant has been classified as Pathogenic.

Literature cited by the submitters: PubMed 31440709.

NM_001177316.2(SLC34A3):c.1467_1477dup (p.Leu493fs)

Gene: SLC34A3 (solute carrier family 34 member 3; plus strand). Cytogenetic location: 9q34.3.
Variant type: Duplication.
Coding change: c.1467_1477dup on transcript NM_001177316.2 (MANE Select); coding-DNA positions 1467 to 1477, 11 bases duplicated (GGTCTACCTGC).
Protein change: p.Leu493fs; shifts the reading frame from leucine 493.
Molecular consequence: frameshift variant.
Genome position (GRCh38, 1-based): chr9:137,236,083-137,236,093, GGTCTACCTGC duplicated. VCF-style (leftmost placement, unchanged base first): chr9-137236082-G-GGGTCTACCTGC. GRCh37 (hg19) VCF-style: chr9-140130534-G-GGGTCTACCTGC.
Other names: c.1467_1477dup, p.Leu493fs (NM_001177317.2, NM_080877.3); short protein forms L493fs.
Identifiers: ClinVar variation 1977258 (VCV001977258.5), dbSNP rs2538820820, ClinGen allele CA2580081037.